The following is an entry in ClinVar:

NM_000051.4(ATM):c.6927G>A (p.Leu2309=)

Genes: ATM (ATM serine/threonine kinase; plus strand), C11orf65 (chromosome 11 open reading frame 65; minus strand). Cytogenetic location: 11q22.3.
Variant type: single nucleotide variant.
Coding change: c.6927G>A on transcript NM_000051.4 (MANE Select); coding-DNA position 6927, G replaced by A.
Protein change: p.Leu2309=; no amino-acid change (leucine 2309 retained).
Molecular consequence: synonymous variant. On other transcripts: intron variant (2).
Genome position (GRCh38, 1-based): chr11:108,326,177, G>A. VCF-style: chr11-108326177-G-A. GRCh37 (hg19) VCF-style: chr11-108196904-G-A.
Other names: c.6927G>A, p.Leu2309= (NM_001351834.2); c.641-17106C>T (NM_001330368.2); c.*38+9043C>T (NM_001351110.2).
Identifiers: ClinVar variation 764697 (VCV000764697.14), dbSNP rs876660429, ClinGen allele CA476676374.

ClinVar aggregate classification (germline): Benign/Likely benign. Review status: criteria provided, multiple submitters, no conflicts (2 of 4 stars). 4 submissions from 4 submitters: Benign (1); Likely benign (3). Last evaluated 2025-10-06.

Conditions:
Hereditary cancer-predisposing syndrome. Also called: Tumor predisposition; Hereditary neoplastic syndrome; Neoplastic Syndromes, Hereditary; Hereditary Cancer Syndrome. Identifiers: Orphanet 140162, MedGen C0027672, MeSH D009386, MONDO:0015356.
Familial cancer of breast. Also called: Hereditary breast cancer; BREAST CANCER, FAMILIAL; hereditary breast carcinoma. Identifiers: Orphanet 227535, MedGen C0346153, MONDO:0016419, OMIM 114480. Disease mechanism: loss of function.
Ataxia-telangiectasia syndrome (AT). Also called: Ataxia-telangiectasia, complementation group D; AT, COMPLEMENTATION GROUP C; ATAXIA-TELANGIECTASIA, COMPLEMENTATION GROUP A; ATAXIA-TELANGIECTASIA, FRESNO VARIANT; Ataxia-telangiectasia; LOUIS-BAR SYNDROME. Identifiers: Orphanet 100, MedGen C0004135, MONDO:0008840, OMIM 208900.

Allele frequency attached by ClinVar (database versions not stated): gnomAD exomes below 0.00001.
gnomAD v4.1: 3 of 1,614,178 alleles (0.00019%); highest among the groups gnomAD compares: Non-Finnish European, 0.00017%; no homozygotes.

Submissions (4):

Labcorp Genetics (formerly Invitae), Labcorp
Classification: Likely benign for Ataxia-telangiectasia syndrome. Last evaluated: 2025-10-06. Review status: criteria provided, single submitter. Criteria: Invitae Variant Classification Sherloc (09022015). Collection method: clinical testing. Allele origin: germline.

Myriad Genetics, Inc.
Classification: Benign for Familial cancer of breast. Last evaluated: 2024-06-12. Review status: criteria provided, single submitter. Criteria: Myriad Autosomal Dominant, Autosomal Recessive and X-Linked Classification Criteria (2023). Collection method: clinical testing. Allele origin: unknown.
Comment: This variant is considered benign. This variant is a silent/synonymous amino acid change and it is not expected to impact splicing.

Color Diagnostics, LLC DBA Color Health
Classification: Likely benign for Hereditary cancer-predisposing syndrome. Last evaluated: 2021-08-24. Review status: criteria provided, single submitter. Criteria: ACMG Guidelines, 2015. Collection method: clinical testing. Allele origin: germline.

Ambry Genetics
Classification: Likely benign for Hereditary cancer-predisposing syndrome. Last evaluated: 2020-10-16. Review status: criteria provided, single submitter. Criteria: Ambry Variant Classification Scheme 2023. Collection method: clinical testing. Allele origin: germline.